The following is an entry in ClinVar:

ClinVar aggregate classification (germline): Benign/Likely benign. Review status: criteria provided, multiple submitters, no conflicts (2 of 4 stars). 2 submissions from 2 submitters: Benign (1); Likely benign (1). Last evaluated 2026-02-01.

Conditions:
ADSS1-related disorder. Also called: ADSS1-related condition.

Allele frequency attached by ClinVar (database versions not stated): 1000 Genomes Project 30x 0.00172; 1000 Genomes Project 0.00180; ESP Exome Variant Server 0.00208.
gnomAD v4.1: 364 of 1,594,778 alleles (0.023%); highest among the groups gnomAD compares: African/African-American, 0.41%; 3 homozygotes.

Submissions (3):

Labcorp Genetics (formerly Invitae), Labcorp
Classification: Benign. Last evaluated: 2026-02-01. Review status: criteria provided, single submitter. Criteria: Invitae Variant Classification Sherloc (09022015). Collection method: clinical testing. Allele origin: germline.

PreventionGenetics, part of Exact Sciences
Classification: Likely benign for ADSS1-related condition. Last evaluated: 2025-07-01. Review status: criteria provided, single submitter. Criteria: ACMG Guidelines, 2015. Collection method: clinical testing. Allele origin: germline.
Comment: This variant is classified as likely benign based on ACMG/AMP sequence variant interpretation guidelines (Richards et al. 2015 PMID: 25741868, with internal and published modifications).

Dr. Peter K. Rogan Lab, Western University
No classification provided (evidence only). Condition: Lung cancer. Review status: no classification provided. Collection method: in vitro. Allele origin: not applicable. Functional consequence: retained intron. Not counted in ClinVar's aggregate classification.

NM_152328.5(ADSS1):c.667-7C>G

Gene: ADSS1 (adenylosuccinate synthase 1; plus strand). Cytogenetic location: 14q32.33.
Variant type: single nucleotide variant.
Coding change: c.667-7C>G on transcript NM_152328.5 (MANE Select); 7 bases into the intron before coding-DNA position 667, C replaced by G.
Molecular consequence: intron variant.
Genome position (GRCh38, 1-based): chr14:104,741,110, C>G. VCF-style: chr14-104741110-C-G. GRCh37 (hg19) VCF-style: chr14-105207447-C-G.
Other names: c.796-7C>G (NM_199165.2); c.52-7C>G (NM_001320424.1).
Identifiers: ClinVar variation 1681954 (VCV001681954.10), dbSNP rs370851579, ClinGen allele CA7373805.